The following is an entry in ClinVar:

ClinVar aggregate classification (germline): Uncertain significance. Review status: criteria provided, multiple submitters, no conflicts (2 of 4 stars). 2 submissions from 2 submitters: Uncertain significance (2). Last evaluated 2025-08-24.

Allele frequency attached by ClinVar (database versions not stated): gnomAD 0.00002; TOPMed 0.00002; ExAC 0.00004; gnomAD exomes 0.00004.
gnomAD v4.1: 42 of 1,612,350 alleles (0.0026%); highest among the groups gnomAD compares: South Asian, 0.023%; 1 homozygote.

Submissions (2):

Labcorp Genetics (formerly Invitae), Labcorp
Classification: Uncertain significance. Last evaluated: 2025-08-24. Review status: criteria provided, single submitter. Criteria: Invitae Variant Classification Sherloc (09022015). Collection method: clinical testing. Allele origin: germline.
Comment: This sequence change replaces valine, which is neutral and non-polar, with methionine, which is neutral and non-polar, at codon 1829 of the DSCAML1 protein (p.Val1829Met). This variant is present in population databases (rs773446818, gnomAD 0.02%). This variant has not been reported in the literature in individuals affected with DSCAML1-related conditions. ClinVar contains an entry for this variant (Variation ID: 1471858). An algorithm developed to predict the effect of missense changes on protein structure and function (PolyPhen-2) suggests that this variant is likely to be tolerated. In summary, the available evidence is currently insufficient to determine the role of this variant in disease. Therefore, it has been classified as a Variant of Uncertain Significance.

Ambry Genetics
Classification: Uncertain significance. Last evaluated: 2025-06-24. Review status: criteria provided, single submitter. Criteria: Ambry Variant Classification Scheme 2023. Collection method: clinical testing. Allele origin: germline.

NM_020693.4(DSCAML1):c.5305G>A (p.Val1769Met)

Gene: DSCAML1 (DS cell adhesion molecule like 1; minus strand). Cytogenetic location: 11q23.3.
Variant type: single nucleotide variant.
Coding change: c.5305G>A on transcript NM_020693.4 (MANE Select); coding-DNA position 5305, G replaced by A.
Protein change: p.Val1769Met; replaces valine 1769 with methionine.
Molecular consequence: missense variant.
Genome position (GRCh38, 1-based): chr11:117,431,603, C>T on the plus strand (G>A on the coding strand, the complement: DSCAML1 is on the minus strand). VCF-style: chr11-117431603-C-T. GRCh37 (hg19) VCF-style: chr11-117302319-C-T.
Other names: c.5485G>A (NM_020693.2); short protein forms V1769M.
Identifiers: ClinVar variation 1471858 (VCV001471858.7), dbSNP rs773446818, ClinGen allele CA6296103.